The following is an entry in ClinVar:

ClinVar aggregate classification (germline): Uncertain significance (1 of 4 stars; one submission).

Conditions:
Familial thoracic aortic aneurysm and aortic dissection (TAAD). Also called: Thoracic aortic aneurysms and dissections. Identifiers: Orphanet 91387, MedGen C4707243, MONDO:0019625.

gnomAD v4.1: 1 of 1,574,176 alleles (0.000064%); highest among the groups gnomAD compares: South Asian, 0.0011%; no homozygotes.

Submission:

Ambry Genetics
Classification: Uncertain significance for Familial thoracic aortic aneurysm and aortic dissection. Last evaluated: 2024-03-24. Review status: criteria provided, single submitter. Criteria: Ambry Variant Classification Scheme 2023. Collection method: clinical testing. Allele origin: germline.
Comment: The p.P1728A variant (also known as c.5182C>G), located in coding exon 28 of the NOTCH1 gene, results from a C to G substitution at nucleotide position 5182. The proline at codon 1728 is replaced by alanine, an amino acid with highly similar properties. This amino acid position is conserved. In addition, this alteration is predicted to be tolerated by in silico analysis. Based on the available evidence, the clinical significance of this alteration remains unclear.

NM_017617.5(NOTCH1):c.5182C>G (p.Pro1728Ala)

Gene: NOTCH1 (notch receptor 1; minus strand). Cytogenetic location: 9q34.3.
Variant type: single nucleotide variant.
Coding change: c.5182C>G on transcript NM_017617.5 (MANE Select); coding-DNA position 5182, C replaced by G.
Protein change: p.Pro1728Ala; replaces proline 1728 with alanine.
Molecular consequence: missense variant.
Genome position (GRCh38, 1-based): chr9:136,502,474, G>C on the plus strand (C>G on the coding strand, the complement: NOTCH1 is on the minus strand). VCF-style: chr9-136502474-G-C. GRCh37 (hg19) VCF-style: chr9-139396926-G-C.
Other names: short protein forms P1728A.
Identifiers: ClinVar variation 3300441 (VCV003300441.1).